The following is an entry in ClinVar:

NM_130468.4(CHST14):c.439T>C (p.Tyr147His)

Gene: CHST14 (carbohydrate sulfotransferase 14; plus strand). Cytogenetic location: 15q15.1.
Variant type: single nucleotide variant.
Coding change: c.439T>C on transcript NM_130468.4 (MANE Select); coding-DNA position 439, T replaced by C.
Protein change: p.Tyr147His; replaces tyrosine 147 with histidine.
Molecular consequence: missense variant.
Genome position (GRCh38, 1-based): chr15:40,471,652, T>C. VCF-style: chr15-40471652-T-C. GRCh37 (hg19) VCF-style: chr15-40763851-T-C.
Other names: short protein forms Y147H.
Identifiers: ClinVar variation 453025 (VCV000453025.14), dbSNP rs775350610, ClinGen allele CA7481601.

ClinVar aggregate classification (germline): Uncertain significance. Review status: criteria provided, multiple submitters, no conflicts (2 of 4 stars). 4 submissions from 4 submitters: Uncertain significance (4). Last evaluated 2026-01-06.

Conditions:
Cardiovascular phenotype. Identifiers: MedGen CN230736.
Ehlers-Danlos syndrome, musculocontractural type (EDSMC). Also called: ARTHROGRYPOSIS, DISTAL, WITH PECULIAR FACIES AND HYDRONEPHROSIS; DUNDAR SYNDROME; Adducted thumb, clubfoot, progressive joint and skin laxity syndrome; ADDUCTED THUMB-CLUBFOOT SYNDROME. Identifiers: Orphanet 2953, MedGen C1866294, MONDO:0011142.

Allele frequency attached by ClinVar (database versions not stated): TOPMed below 0.00001; ExAC 0.00001; gnomAD exomes 0.00001 and 0.00002.
gnomAD v4.1: 35 of 1,613,554 alleles (0.0022%); highest among the groups gnomAD compares: Non-Finnish European, 0.0027%; no homozygotes.

Submissions (4):

Women's Health and Genetics/Laboratory Corporation of America, LabCorp
Classification: Uncertain significance. Last evaluated: 2026-01-06. Review status: criteria provided, single submitter. Criteria: LabCorp Variant Classification Summary - May 2015. Collection method: clinical testing. Allele origin: germline.
Comment: Variant summary: CHST14 c.439T>C (p.Tyr147His) results in a conservative amino acid change in the encoded protein sequence. Algorithms developed to predict the effect of missense changes on protein structure and function are either unavailable or do not agree on the potential impact of this missense change. The variant allele was found at a frequency of 8e-06 in 250616 control chromosomes (gnomAD). The available data on variant occurrences in the general population are insufficient to allow any conclusion about variant significance. To our knowledge, no occurrence of c.439T>C in individuals affected with CHST14-related conditions and no experimental evidence demonstrating its impact on protein function have been reported. ClinVar contains an entry for this variant (Variation ID: 453025). Based on the evidence outlined above, the variant was classified as uncertain significance.

Ambry Genetics
Classification: Uncertain significance for Cardiovascular phenotype. Last evaluated: 2025-04-02. Review status: criteria provided, single submitter. Criteria: Ambry Variant Classification Scheme 2023. Collection method: clinical testing. Allele origin: germline.
Comment: The p.Y147H variant (also known as c.439T>C), located in coding exon 1 of the CHST14 gene, results from a T to C substitution at nucleotide position 439. The tyrosine at codon 147 is replaced by histidine, an amino acid with similar properties. This amino acid position is not well conserved in available vertebrate species, and histidine is the reference amino acid in other vertebrate species. In addition, this alteration is predicted to be tolerated by in silico analysis. Since supporting evidence is limited at this time, the clinical significance of this alteration remains unclear.

GeneDx
Classification: Uncertain significance. Last evaluated: 2021-06-17. Review status: criteria provided, single submitter. Criteria: GeneDx Variant Classification Process June 2021. Collection method: clinical testing. Allele origin: germline. Affected: yes.
Comment: Has not been previously published as pathogenic or benign to our knowledge; Not observed at significant frequency in large population cohorts (Lek et al., 2016); In silico analysis supports that this missense variant does not alter protein structure/function; This variant is associated with the following publications: (PMID: 27535533)

Labcorp Genetics (formerly Invitae), Labcorp
Classification: Uncertain significance for Ehlers-Danlos syndrome, musculocontractural type. Last evaluated: 2021-05-13. Review status: criteria provided, single submitter. Criteria: Invitae Variant Classification Sherloc (09022015). Collection method: clinical testing. Allele origin: germline.
Comment: In summary, the available evidence is currently insufficient to determine the role of this variant in disease. Therefore, it has been classified as a Variant of Uncertain Significance. Algorithms developed to predict the effect of missense changes on protein structure and function output the following: SIFT: "Tolerated"; PolyPhen-2: "Benign"; Align-GVGD: "Class C0". The histidine amino acid residue is found in multiple mammalian species, suggesting that this missense change does not adversely affect protein function. These predictions have not been confirmed by published functional studies and their clinical significance is uncertain. This variant has not been reported in the literature in individuals with CHST14-related conditions. ClinVar contains an entry for this variant (Variation ID: 453025). This variant is present in population databases (rs775350610, ExAC 0.002%). This sequence change replaces tyrosine with histidine at codon 147 of the CHST14 protein (p.Tyr147His). The tyrosine residue is highly conserved and there is a moderate physicochemical difference between tyrosine and histidine.